The following is an entry in ClinVar:

ClinVar aggregate classification (germline): Uncertain significance. Review status: criteria provided, multiple submitters, no conflicts (2 of 4 stars). 2 submissions from 2 submitters: Uncertain significance (2). Last evaluated 2025-10-06.

Conditions:
Neurodevelopmental disorder with microcephaly, seizures, and cortical atrophy. Identifiers: MedGen C4540493, MONDO:0060621, OMIM 617802.
Inborn genetic diseases. Identifiers: MedGen C0950123, MeSH D030342.

Allele frequency attached by ClinVar (database versions not stated): gnomAD 0.00020 and 0.00018; gnomAD exomes 0.00015; ExAC 0.00010; ESP Exome Variant Server 0.00013; TOPMed 0.00022.
gnomAD v4.1: 477 of 1,462,230 alleles (0.033%); highest among the groups gnomAD compares: Non-Finnish European, 0.041%; 1 homozygote.

Submissions (2):

Ambry Genetics
Classification: Uncertain significance for Inborn genetic diseases. Last evaluated: 2025-10-06. Review status: criteria provided, single submitter. Criteria: Ambry Variant Classification Scheme 2023. Collection method: clinical testing. Allele origin: germline.

Baylor Genetics
Classification: Uncertain significance for Neurodevelopmental disorder with microcephaly, seizures, and cortical atrophy. Last evaluated: 2019-04-11. Review status: criteria provided, single submitter. Criteria: ACMG Guidelines, 2015. Collection method: clinical testing. Allele origin: unknown. Affected: yes.
Comment: This variant was determined to be of uncertain significance according to ACMG Guidelines, 2015 [PMID:25741868].

NM_006295.3(VARS1):c.20C>T (p.Ser7Phe)

Gene: VARS1 (valyl-tRNA synthetase 1; minus strand). Cytogenetic location: 6p21.33.
Variant type: single nucleotide variant.
Coding change: c.20C>T on transcript NM_006295.3 (MANE Select); coding-DNA position 20, C replaced by T.
Protein change: p.Ser7Phe; replaces serine 7 with phenylalanine.
Molecular consequence: missense variant.
Genome position (GRCh38, 1-based): chr6:31,795,198, G>A on the plus strand (C>T on the coding strand, the complement: VARS1 is on the minus strand). VCF-style: chr6-31795198-G-A. GRCh37 (hg19) VCF-style: chr6-31762975-G-A.
Other names: short protein forms S7F.
Identifiers: ClinVar variation 1029025 (VCV001029025.4), dbSNP rs371420445, ClinGen allele CA3723654.